The following is an entry in ClinVar:

NM_000416.3(IFNGR1):c.1187C>T (p.Ser396Leu)

Gene: IFNGR1 (interferon gamma receptor 1; minus strand). Cytogenetic location: 6q23.3.
Variant type: single nucleotide variant.
Coding change: c.1187C>T on transcript NM_000416.3 (MANE Select); coding-DNA position 1187, C replaced by T.
Protein change: p.Ser396Leu; replaces serine 396 with leucine.
Molecular consequence: missense variant.
Genome position (GRCh38, 1-based): chr6:137,198,314, G>A on the plus strand (C>T on the coding strand, the complement: IFNGR1 is on the minus strand). VCF-style: chr6-137198314-G-A. GRCh37 (hg19) VCF-style: chr6-137519451-G-A.
Other names: c.1157C>T, p.Ser386Leu (NM_001363526.1); c.1064C>T, p.Ser355Leu (NM_001363527.1); short protein forms S386L, S396L, S355L.
Identifiers: ClinVar variation 907654 (VCV000907654.8), dbSNP rs747769538, ClinGen allele CA4018803.

ClinVar aggregate classification (germline): Uncertain significance. Review status: criteria provided, multiple submitters, no conflicts (2 of 4 stars). 2 submissions from 2 submitters: Uncertain significance (2). Last evaluated 2022-11-30.

Conditions:
Disseminated atypical mycobacterial infection. Identifiers: MedGen C0694566.
Immunodeficiency 27A (IMD27A). Also called: IMMUNODEFICIENCY 27A, MYCOBACTERIOSIS, AUTOSOMAL RECESSIVE; IFNGR1 DEFICIENCY, AUTOSOMAL RECESSIVE. Identifiers: Orphanet 319569, Orphanet 99898, MedGen C4011949, MONDO:0008856, OMIM 209950.

Allele frequency attached by ClinVar (database versions not stated): TOPMed 0.00001.
gnomAD v4.1: 15 of 1,613,310 alleles (0.00093%); highest among the groups gnomAD compares: East Asian, 0.0067%; no homozygotes.

Submissions (2):

Labcorp Genetics (formerly Invitae), Labcorp
Classification: Uncertain significance for Disseminated atypical mycobacterial infection. Last evaluated: 2022-11-30. Review status: criteria provided, single submitter. Criteria: Invitae Variant Classification Sherloc (09022015). Collection method: clinical testing. Allele origin: germline.
Comment: This sequence change replaces serine, which is neutral and polar, with leucine, which is neutral and non-polar, at codon 396 of the IFNGR1 protein (p.Ser396Leu). In summary, the available evidence is currently insufficient to determine the role of this variant in disease. Therefore, it has been classified as a Variant of Uncertain Significance. Algorithms developed to predict the effect of missense changes on protein structure and function output the following: SIFT: "Tolerated"; PolyPhen-2: "Benign"; Align-GVGD: "Class C0". The leucine amino acid residue is found in multiple mammalian species, which suggests that this missense change does not adversely affect protein function. ClinVar contains an entry for this variant (Variation ID: 907654). This variant has not been reported in the literature in individuals affected with IFNGR1-related conditions. This variant is present in population databases (rs747769538, gnomAD 0.003%).

Illumina Laboratory Services, Illumina
Classification: Uncertain significance for Immunodeficiency 27A. Last evaluated: 2017-04-28. Review status: criteria provided, single submitter. Criteria: ICSL Variant Classification Criteria 13 December 2019. Collection method: clinical testing. Allele origin: germline.